The following is an entry in ClinVar:

ClinVar aggregate classification (germline): Uncertain significance. Review status: criteria provided, multiple submitters, no conflicts (2 of 4 stars). 4 submissions from 4 submitters: Uncertain significance (4). Last evaluated 2024-05-30.

Conditions:
Neurodevelopmental disorder with visual defects and brain anomalies. Identifiers: MedGen C5231404, MONDO:0032807, OMIM 618547.

Allele frequency attached by ClinVar (database versions not stated): gnomAD exomes 0.00001; ExAC 0.00002; TOPMed 0.00002; gnomAD 0.00003.
gnomAD v4.1: 19 of 1,612,814 alleles (0.0012%); highest among the groups gnomAD compares: East Asian, 0.0022%; no homozygotes.

Submissions (4):

Blueprint Genetics
Classification: Uncertain significance. Last evaluated: 2024-05-30. Review status: criteria provided, single submitter. Criteria: ACMG Guidelines, 2015. Collection method: clinical testing. Allele origin: germline.

Women's Health and Genetics/Laboratory Corporation of America, LabCorp
Classification: Uncertain significance. Last evaluated: 2024-01-31. Review status: criteria provided, single submitter. Criteria: LabCorp Variant Classification Summary - May 2015. Collection method: clinical testing. Allele origin: germline.
Comment: Variant summary: HK1 c.2381G>A (p.Arg794Gln) results in a conservative amino acid change located in the Hexokinase, C-terminal domain (IPR022673) of the encoded protein sequence. Three of five in-silico tools predict a benign effect of the variant on protein function. The variant allele was found at a frequency of 1.2e-05 in 249446 control chromosomes. The available data on variant occurrences in the general population are insufficient to allow any conclusion about variant significance. To our knowledge, no occurrence of c.2381G>A in individuals affected with HK1-Related Disorders and no experimental evidence demonstrating its impact on protein function have been reported. ClinVar contains an entry for this variant (Variation ID: 1435898). Based on the evidence outlined above, the variant was classified as uncertain significance.

Baylor Genetics
Classification: Uncertain significance for Neurodevelopmental disorder with visual defects and brain anomalies. Last evaluated: 2022-10-20. Review status: criteria provided, single submitter. Criteria: ACMG Guidelines, 2015. Collection method: clinical testing. Allele origin: unknown.

Labcorp Genetics (formerly Invitae), Labcorp
Classification: Uncertain significance. Last evaluated: 2021-12-02. Review status: criteria provided, single submitter. Criteria: Invitae Variant Classification Sherloc (09022015). Collection method: clinical testing. Allele origin: germline.
Comment: This sequence change replaces arginine, which is basic and polar, with glutamine, which is neutral and polar, at codon 794 of the HK1 protein (p.Arg794Gln). The frequency data for this variant in the population databases is considered unreliable, as metrics indicate poor data quality at this position in the gnomAD database. This variant has not been reported in the literature in individuals affected with HK1-related conditions. Algorithms developed to predict the effect of missense changes on protein structure and function are either unavailable or do not agree on the potential impact of this missense change (SIFT: "Deleterious"; PolyPhen-2: "Benign"; Align-GVGD: "Class C0"). In summary, the available evidence is currently insufficient to determine the role of this variant in disease. Therefore, it has been classified as a Variant of Uncertain Significance.

NM_000188.3(HK1):c.2381G>A (p.Arg794Gln)

Gene: HK1 (hexokinase 1; plus strand). Cytogenetic location: 10q22.1.
Variant type: single nucleotide variant.
Coding change: c.2381G>A on transcript NM_000188.3 (MANE Select); coding-DNA position 2381, G replaced by A.
Protein change: p.Arg794Gln; replaces arginine 794 with glutamine.
Molecular consequence: missense variant.
Genome position (GRCh38, 1-based): chr10:69,398,600, G>A. VCF-style: chr10-69398600-G-A. GRCh37 (hg19) VCF-style: chr10-71158356-G-A.
Other names: c.2393G>A, p.Arg798Gln (NM_001322364.2, NM_001358263.1, NM_033497.3 and 1 more transcripts); c.2486G>A, p.Arg829Gln (NM_001322365.2); c.2297G>A, p.Arg766Gln (NM_001322366.1); c.2285G>A, p.Arg762Gln (NM_001322367.1); c.2378G>A, p.Arg793Gln (NM_033496.3); c.2345G>A, p.Arg782Gln (NM_033500.2); c.2381G>A (NM_000188.2); short protein forms R782Q, R793Q, R766Q, R794Q, R762Q, R798Q, R829Q.
Identifiers: ClinVar variation 1435898 (VCV001435898.8), dbSNP rs780518562, ClinGen allele CA5532852.